The following is an entry in ClinVar:

NM_000163.5(GHR):c.31G>T (p.Ala11Ser)

Gene: GHR (growth hormone receptor; plus strand). Cytogenetic location: 5p12.
Variant type: single nucleotide variant.
Coding change: c.31G>T on transcript NM_000163.5 (MANE Select); coding-DNA position 31, G replaced by T.
Protein change: p.Ala11Ser; replaces alanine 11 with serine.
Molecular consequence: missense variant.
Genome position (GRCh38, 1-based): chr5:42,565,905, G>T. VCF-style: chr5-42565905-G-T. GRCh37 (hg19) VCF-style: chr5-42566007-G-T.
Other names: c.52G>T, p.Ala18Ser (NM_001242399.2); c.31G>T, p.Ala11Ser (NM_001242400.2, NM_001242401.4, NM_001242402.2 and 6 more transcripts); short protein forms A11S, A18S.
Identifiers: ClinVar variation 3375247 (VCV003375247.3).

ClinVar aggregate classification (germline): Uncertain significance. Review status: criteria provided, multiple submitters, no conflicts (2 of 4 stars). 2 submissions from 2 submitters: Uncertain significance (2). Last evaluated 2025-01-07.

gnomAD v4.1: 13 of 1,613,944 alleles (0.00081%); highest among the groups gnomAD compares: African/African-American, 0.017%; no homozygotes.

Submissions (2):

Dasa
Classification: Uncertain significance. Last evaluated: 2025-01-07. Review status: criteria provided, single submitter. Criteria: DASA Assertion Criteria. Collection method: clinical testing. Allele origin: germline.
Comment: NM_000163.5(GHR):c.31G>T (p.Ala11Ser) is a missense variant that results in the substitution of alanine with serine. This variant is rare in population databases. The currently available literature and clinical evidence are not sufficient to establish a definitive association between this variant and the reported condition. Therefore, this variant is classified as a variant of uncertain significance.

Women's Health and Genetics/Laboratory Corporation of America, LabCorp
Classification: Uncertain significance. Last evaluated: 2024-09-30. Review status: criteria provided, single submitter. Criteria: LabCorp Variant Classification Summary - May 2015. Collection method: clinical testing. Allele origin: germline.
Comment: Variant summary: GHR c.31G>T (p.Ala11Ser) results in a conservative amino acid change in the encoded protein sequence. Three of five in-silico tools predict a benign effect of the variant on protein function. The variant allele was found at a frequency of 1.6e-05 in 251488 control chromosomes. The available data on variant occurrences in the general population are insufficient to allow any conclusion about variant significance. To our knowledge, no occurrence of c.31G>T in individuals affected with Growth Hormone Insensitivity and no experimental evidence demonstrating its impact on protein function have been reported. No submitters have cited clinical-significance assessments for this variant to ClinVar. Based on the evidence outlined above, the variant was classified as uncertain significance.